The following is an entry in ClinVar:

NM_000455.5(STK11):c.267C>T (p.Pro89=)

Gene: STK11 (serine/threonine kinase 11; plus strand). Cytogenetic location: 19p13.3.
Variant type: single nucleotide variant.
Coding change: c.267C>T on transcript NM_000455.5 (MANE Select); coding-DNA position 267, C replaced by T.
Protein change: p.Pro89=; no amino-acid change (proline 89 retained).
Molecular consequence: synonymous variant.
Genome position (GRCh38, 1-based): chr19:1,207,180, C>T. VCF-style: chr19-1207180-C-T. GRCh37 (hg19) VCF-style: chr19-1207179-C-T.
Identifiers: ClinVar variation 392194 (VCV000392194.20), dbSNP rs778290623, ClinGen allele CA046737.
Genomic context (GRCh38, chr19:1,207,180, plus strand): 5'-GGAGACGCTGTGCAGGAGGGCCGTCAAGATCCTCAAGAAGAAGAAGTTGCGAAGGATCCC[C>T]AACGGGGAGGCCAACGTGAAGAAGTAAGTATGGCTTGCTGGGGTCGGGGCCGGGCCGGGC-3'
Protein context (NP_000446.1, residues 79-99): ILKKKKLRRI[Pro89=]NGEANVKKEI

ClinVar aggregate classification (germline): Benign/Likely benign. Review status: criteria provided, multiple submitters, no conflicts (2 of 4 stars). 6 submissions from 6 submitters: Benign (1); Likely benign (5). Last evaluated 2025-08-18.

Conditions:
Hereditary cancer-predisposing syndrome. Also called: Neoplastic Syndromes, Hereditary; Hereditary neoplastic syndrome; Tumor predisposition; Hereditary Cancer Syndrome. Identifiers: Orphanet 140162, MedGen C0027672, MeSH D009386, MONDO:0015356.
Peutz-Jeghers syndrome (PJS). Also called: POLYPOSIS, HAMARTOMATOUS INTESTINAL; POLYPS-AND-SPOTS SYNDROME; Peutz-Jeghers polyposis; Periorificial lentiginosis syndrome. Identifiers: Orphanet 2869, MedGen C0031269, MeSH D010580, MONDO:0008280, OMIM 175200.

Allele frequency attached by ClinVar (database versions not stated): gnomAD 0.00001 and below 0.00001; gnomAD exomes 0.00001; ExAC 0.00003.
gnomAD v4.1: 14 of 1,608,334 alleles (0.00087%); highest among the groups gnomAD compares: South Asian, 0.014%; no homozygotes.

Submissions (6):

Labcorp Genetics (formerly Invitae), Labcorp
Classification: Likely benign for Peutz-Jeghers syndrome. Last evaluated: 2025-08-18. Review status: criteria provided, single submitter. Criteria: Invitae Variant Classification Sherloc (09022015). Collection method: clinical testing. Allele origin: germline.

Myriad Genetics, Inc.
Classification: Benign for Peutz-Jeghers syndrome. Last evaluated: 2025-03-25. Review status: criteria provided, single submitter. Criteria: Myriad Autosomal Dominant, Autosomal Recessive and X-Linked Classification Criteria (2023). Collection method: clinical testing. Allele origin: unknown.
Comment: This variant is considered benign. This variant is a silent/synonymous amino acid change and it is not expected to impact splicing.

All of Us Research Program, National Institutes of Health
Classification: Likely benign for Peutz-Jeghers syndrome. Last evaluated: 2023-09-17. Review status: criteria provided, single submitter. Criteria: ACMG Guidelines, 2015. Collection method: clinical testing. Allele origin: germline. Inheritance: Autosomal dominant inheritance. Observed: 1 variant allele, 1 heterozygote.
Comment: This study involves interpretation of variants in research participants for the purpose of population health screening. Participant phenotype was not available at the time of variant classification. Additional details can be found in publication PMID: 35346344, PMCID: PMC8962531

Color Diagnostics, LLC DBA Color Health
Classification: Likely benign for Hereditary cancer-predisposing syndrome. Last evaluated: 2018-08-01. Review status: criteria provided, single submitter. Criteria: ACMG Guidelines, 2015. Collection method: clinical testing. Allele origin: germline.

GeneDx
Classification: Likely benign. Last evaluated: 2016-12-19. Review status: criteria provided, single submitter. Criteria: GeneDx Variant Classification (06012015). Collection method: clinical testing. Allele origin: germline. Affected: yes.
Comment: This variant is considered likely benign or benign based on one or more of the following criteria: it is a conservative change, it occurs at a poorly conserved position in the protein, it is predicted to be benign by multiple in silico algorithms, and/or has population frequency not consistent with disease.

Ambry Genetics
Classification: Likely benign for Hereditary cancer-predisposing syndrome. Last evaluated: 2015-12-22. Review status: criteria provided, single submitter. Criteria: Ambry Variant Classification Scheme 2023. Collection method: clinical testing. Allele origin: germline.